The following is an entry in ClinVar:

NM_005629.4(SLC6A8):c.174G>A (p.Gln58=)

Gene: SLC6A8 (solute carrier family 6 member 8; plus strand). Cytogenetic location: Xq28.
Variant type: single nucleotide variant.
Coding change: c.174G>A on transcript NM_005629.4 (MANE Select); coding-DNA position 174, G replaced by A.
Protein change: p.Gln58=; no amino-acid change (glutamine 58 retained).
Molecular consequence: synonymous variant.
Genome position (GRCh38, 1-based): chrX:153,688,748, G>A. VCF-style: chrX-153688748-G-A. GRCh37 (hg19) VCF-style: chrX-152954203-G-A.
Other names: c.174G>A, p.Gln58= (NM_001142805.2).
Identifiers: ClinVar variation 1103942 (VCV001103942.32), dbSNP rs1557043848, ClinGen allele CA519344607.

ClinVar aggregate classification (germline): Likely benign. Review status: criteria provided, multiple submitters, no conflicts (2 of 4 stars). 2 submissions from 2 submitters: Likely benign (2). Last evaluated 2023-06-23.

Conditions:
Creatine transporter deficiency (CCDS1). Also called: Mental retardation , X-linked with seizures, short stature and midface hypoplasia; Mental retardation , X-linked, with creatine transport deficiency; X-linked creatine transporter deficiency; X-linked creatine deficiency syndrome; SLC6A8-Related Creatine Transporter Deficiency; CREATINE TRANSPORTER DEFECT. Identifiers: Orphanet 52503, MedGen C1845862, MONDO:0010305, OMIM 300352.

gnomAD v4.1: 1 of 1,139,669 alleles (0.000088%); highest among the groups gnomAD compares: Non-Finnish European, 0.00012%; no homozygotes.

Submissions (2):

Labcorp Genetics (formerly Invitae), Labcorp
Classification: Likely benign for Creatine transporter deficiency. Last evaluated: 2023-06-23. Review status: criteria provided, single submitter. Criteria: Invitae Variant Classification Sherloc (09022015). Collection method: clinical testing. Allele origin: germline.

CeGaT Center for Human Genetics Tuebingen
Classification: Likely benign. Last evaluated: 2022-04-01. Review status: criteria provided, single submitter. Criteria: CeGaT Center For Human Genetics Tuebingen Variant Classification Criteria Version 2. Collection method: clinical testing. Allele origin: germline. Affected: yes. Observed: 1 variant allele.
Comment: SLC6A8: BP4, BP7